The following is an entry in ClinVar:

ClinVar aggregate classification (germline): Uncertain significance (1 of 4 stars; one submission).

Conditions:
Familial adenomatous polyposis 1 (FAP1). Also called: FAMILIAL ADENOMATOUS POLYPOSIS 1, ATTENUATED; POLYPOSIS, ADENOMATOUS INTESTINAL. Identifiers: MedGen C2713442, MONDO:0021056, OMIM 175100. Disease mechanism: loss of function.

Submission:

Labcorp Genetics (formerly Invitae), Labcorp
Classification: Uncertain significance for Familial adenomatous polyposis 1. Last evaluated: 2025-12-08. Review status: criteria provided, single submitter. Criteria: Invitae Variant Classification Sherloc (09022015). Collection method: clinical testing. Allele origin: germline.
Comment: This sequence change replaces leucine, which is neutral and non-polar, with valine, which is neutral and non-polar, at codon 319 of the APC protein (p.Leu319Val). This variant is not present in population databases (gnomAD no frequency). This variant has not been reported in the literature in individuals affected with APC-related conditions. ClinVar contains an entry for this variant (Variation ID: 2712731). Invitae Evidence Modeling of protein sequence and biophysical properties (such as structural, functional, and spatial information, amino acid conservation, physicochemical variation, residue mobility, and thermodynamic stability) indicates that this missense variant is not expected to disrupt APC protein function with a negative predictive value of 95%. In summary, the available evidence is currently insufficient to determine the role of this variant in disease. Therefore, it has been classified as a Variant of Uncertain Significance.

NM_000038.6(APC):c.955T>G (p.Leu319Val)

Gene: APC (APC regulator of Wnt signaling pathway; plus strand). Cytogenetic location: 5q22.2.
Variant type: single nucleotide variant.
Coding change: c.955T>G on transcript NM_000038.6 (MANE Select); coding-DNA position 955, T replaced by G.
Protein change: p.Leu319Val; replaces leucine 319 with valine.
Molecular consequence: missense variant. On other transcripts: non-coding transcript variant (2), intron variant (15).
Genome position (GRCh38, 1-based): chr5:112,818,987, T>G. VCF-style: chr5-112818987-T-G. GRCh37 (hg19) VCF-style: chr5-112154684-T-G.
Other names: c.955T>G, p.Leu319Val (NM_001127510.3, NM_001354895.2, NM_001354896.2 and 4 more transcripts); c.901T>G, p.Leu301Val (NM_001127511.3); c.985T>G, p.Leu329Val (NM_001354897.2, NM_001407446.1); c.880T>G, p.Leu294Val (NM_001354898.2, NM_001407451.1); c.871T>G, p.Leu291Val (NM_001354899.2, NM_001407452.1); c.778T>G, p.Leu260Val (NM_001354900.2, NM_001354901.2, NM_001407453.1); c.106T>G, p.Leu36Val (NM_001354906.2, NM_001407470.1); c.85-282T>G (NM_001407472.1, NM_001407471.1); and 5 more; short protein forms L294V, L319V, L36V, L260V, L301V, L329V, L291V.
Identifiers: ClinVar variation 2712731 (VCV002712731.3), dbSNP rs2149778929, ClinGen allele CA16023399.